The following is an entry in ClinVar:

ClinVar aggregate classification (germline): Uncertain significance (1 of 4 stars; one submission).

Conditions:
Hereditary factor VIII deficiency disease (HEMA). Also called: AUTOSOMAL HEMOPHILIA A; HEMOPHILIA, CLASSIC; Hemophilia A, congenital; HEM A; Factor 8 deficiency, congenital; Hemophilia A. Identifiers: Orphanet 98878, MedGen C0019069, MONDO:0010602, OMIM 306700.

Submission:

Myriad Genetics, Inc.
Classification: Uncertain significance for Hereditary factor VIII deficiency disease. Last evaluated: 2026-04-20. Review status: criteria provided, single submitter. Criteria: Myriad Autosomal Dominant, Autosomal Recessive and X-Linked Classification Criteria (2023). Collection method: clinical testing. Allele origin: unknown.
Comment: NM_000132.3(F8):c.490G>A(G164S) is a missense variant classified as a variant of uncertain significance in the context of hemophilia A. G164S has been observed in cases with relevant disease (PMID: 18371163, 29296726, 20236351). Relevant functional assessments of this variant are not available in the literature. G164S has not been observed in referenced population frequency databases. In summary, there is insufficient evidence to classify NM_000132.3(F8):c.490G>A(G164S) as pathogenic or benign. Please note: this variant was assessed in the context of healthy population screening.

Literature cited by the submitters: PubMed 18371163; PubMed 20236351; PubMed 29296726.

NM_000132.4(F8):c.490G>A (p.Gly164Ser)

Gene: F8 (coagulation factor VIII; minus strand). Cytogenetic location: Xq28.
Variant type: single nucleotide variant.
Coding change: c.490G>A on transcript NM_000132.4 (MANE Select); coding-DNA position 490, G replaced by A.
Protein change: p.Gly164Ser; replaces glycine 164 with serine.
Molecular consequence: missense variant.
Genome position (GRCh38, 1-based): chrX:154,993,047, C>T on the plus strand (G>A on the coding strand, the complement: F8 is on the minus strand). VCF-style: chrX-154993047-C-T. GRCh37 (hg19) VCF-style: chrX-154221322-C-T.
Other names: short protein forms G164S.
Identifiers: ClinVar variation 5004611 (VCV005004611.1).